The following is an entry in ClinVar:

ClinVar aggregate classification (germline): Likely benign. Review status: criteria provided, multiple submitters, no conflicts (2 of 4 stars). 2 submissions from 2 submitters: Likely benign (2). Last evaluated 2018-01-13.

Conditions:
Mitochondrial complex I deficiency, nuclear type 1. Also called: NADH-COENZYME Q REDUCTASE DEFICIENCY; MITOCHONDRIAL NADH DEHYDROGENASE COMPONENT OF COMPLEX I, DEFICIENCY OF. Identifiers: MedGen C6022305, MONDO:0100224, OMIM 252010.

Allele frequency attached by ClinVar (database versions not stated): 1000 Genomes Project 0.04213; 1000 Genomes Project 30x 0.04482; gnomAD exomes 0.04643; gnomAD 0.04916 and 0.04940; TOPMed 0.05114.
gnomAD v4.1: 10,197 of 211,118 alleles (4.8%); highest among the groups gnomAD compares: Middle Eastern, 9%; 296 homozygotes.

Submissions (2):

Illumina Laboratory Services, Illumina
Classification: Likely benign for Mitochondrial complex I deficiency, nuclear type 1. Last evaluated: 2018-01-13. Review status: criteria provided, single submitter. Criteria: ICSL Variant Classification Criteria 13 December 2019. Collection method: clinical testing. Allele origin: germline.
Comment: This variant was observed in the ICSL laboratory as part of a predisposition screen in an ostensibly healthy population. It had not been previously curated by ICSL or reported in the Human Gene Mutation Database (HGMD: prior to June 1st, 2018), and was therefore a candidate for classification through an automated scoring system. Utilizing variant allele frequency, disease prevalence and penetrance estimates, and inheritance mode, an automated score was calculated to assess if this variant is too frequent to cause the disease. Based on the score and internal cut-off values, a variant classified as likely benign is not then subjected to further curation. The score for this variant resulted in a classification of likely benign for this disease.

Breakthrough Genomics
Classification: Likely benign. Review status: criteria provided, single submitter. Criteria: ACMG Guidelines, 2015. Collection method: not provided. Allele origin: germline. Inheritance: Autosomal recessive inheritance. Affected: yes.

NM_014165.4(NDUFAF4):c.*350A>C

Gene: NDUFAF4 (NADH:ubiquinone oxidoreductase complex assembly factor 4; minus strand). Cytogenetic location: 6q16.1.
Variant type: single nucleotide variant.
Coding change: c.*350A>C on transcript NM_014165.4 (MANE Select); 350 bases downstream of the stop codon, A replaced by C.
Molecular consequence: 3 prime UTR variant.
Genome position (GRCh38, 1-based): chr6:96,890,754, T>G on the plus strand (A>C on the coding strand, the complement: NDUFAF4 is on the minus strand). VCF-style: chr6-96890754-T-G. GRCh37 (hg19) VCF-style: chr6-97338630-T-G.
Identifiers: ClinVar variation 358265 (VCV000358265.6), dbSNP rs41288598, ClinGen allele CA10627824.